The following is an entry in ClinVar:

ClinVar aggregate classification (germline): Conflicting classifications of pathogenicity. Review status: criteria provided, conflicting classifications (1 of 4 stars). 3 submissions from 3 submitters: Uncertain significance (1); Likely benign (1). 1 of the submissions does not count toward it. Last evaluated 2024-11-22.

Conditions:
NDP-related disorder. Also called: NDP-related condition.

Allele frequency attached by ClinVar (database versions not stated): gnomAD 0.00004 and 0.00005; gnomAD exomes 0.00008; TOPMed 0.00015; ExAC 0.00018; ESP Exome Variant Server 0.00029.
gnomAD v4.1: 86 of 1,166,550 alleles (0.0074%); highest among the groups gnomAD compares: Non-Finnish European, 0.0086%; no homozygotes.

Submissions (3):

Blueprint Genetics
Classification: Likely benign. Last evaluated: 2024-11-22. Review status: criteria provided, single submitter. Criteria: ACMG Guidelines, 2015. Collection method: clinical testing. Allele origin: germline.

Athena Diagnostics
Classification: Uncertain significance. Last evaluated: 2019-03-05. Review status: criteria provided, single submitter. Criteria: Athena Diagnostics Criteria. Collection method: clinical testing. Allele origin: germline.

PreventionGenetics, part of Exact Sciences
Classification: Likely benign for NDP-related condition. Last evaluated: 2024-03-07. Review status: no assertion criteria provided. Collection method: clinical testing. Allele origin: germline. Not counted in ClinVar's aggregate classification.
Comment: This variant is classified as likely benign based on ACMG/AMP sequence variant interpretation guidelines (Richards et al. 2015 PMID: 25741868, with internal and published modifications).

NM_000266.4(NDP):c.*3C>A

Genes: NDP (norrin cystine knot growth factor NDP; minus strand), NDP-AS1 (NDP antisense RNA 1; plus strand). Cytogenetic location: Xp11.3.
Variant type: single nucleotide variant.
Coding change: c.*3C>A on transcript NM_000266.4 (MANE Select); 3 bases downstream of the stop codon, C replaced by A.
Molecular consequence: 3 prime UTR variant. On other transcripts: non-coding transcript variant (1).
Genome position (GRCh38, 1-based): chrX:43,949,796, G>T on the plus strand (C>A on the coding strand, the complement: NDP is on the minus strand). VCF-style: chrX-43949796-G-T. GRCh37 (hg19) VCF-style: chrX-43809042-G-T.
Identifiers: ClinVar variation 805079 (VCV000805079.3), dbSNP rs372300274, ClinGen allele CA10391400.